The following is an entry in ClinVar:

NM_000525.4(KCNJ11):c.1105C>A (p.Arg369Ser)

Gene: KCNJ11 (potassium inwardly rectifying channel subfamily J member 11; minus strand). Cytogenetic location: 11p15.1.
Variant type: single nucleotide variant.
Coding change: c.1105C>A on transcript NM_000525.4 (MANE Select); coding-DNA position 1105, C replaced by A.
Protein change: p.Arg369Ser; replaces arginine 369 with serine.
Molecular consequence: missense variant.
Genome position (GRCh38, 1-based): chr11:17,386,987, G>T on the plus strand (C>A on the coding strand, the complement: KCNJ11 is on the minus strand). VCF-style: chr11-17386987-G-T. GRCh37 (hg19) VCF-style: chr11-17408534-G-T.
Other names: c.844C>A, p.Arg282Ser (NM_001166290.2, NM_001377296.1, NM_001377297.1); short protein forms R282S, R369S.
Identifiers: ClinVar variation 3251987 (VCV003251987.3), dbSNP rs371275937.

ClinVar aggregate classification (germline): Uncertain significance. Review status: criteria provided, multiple submitters, no conflicts (2 of 4 stars). 3 submissions from 3 submitters: Uncertain significance (3). Last evaluated 2024-06-28.

Conditions:
Type 2 diabetes mellitus. Also called: Type II diabetes mellitus. Identifiers: MedGen C0011860, MeSH D003924, MONDO:0005148, OMIM 125853, HP:0005978.
Diabetes mellitus, transient neonatal, 3 (TNDM3). Identifiers: Orphanet 99886, MedGen C1864623, MONDO:0012522, OMIM 610582. Disease mechanism: loss of function.
Maturity-onset diabetes of the young type 13. Also called: MODY, TYPE 13. Identifiers: Orphanet 552, MedGen C4225365, MONDO:0014589, OMIM 616329.
Hyperinsulinemic hypoglycemia, familial, 2. Also called: HYPERINSULINEMIC HYPOGLYCEMIA, PERSISTENT; HYPERINSULINISM, NEONATAL. Identifiers: Orphanet 276580, Orphanet 276603, MedGen C2931833, MONDO:0011153, OMIM 601820. Disease mechanism: loss of function.
Diabetes mellitus, permanent neonatal 2. Also called: KCNJ11-Related Permanent Neonatal Diabetes Mellitus. Identifiers: MedGen C5394296, MONDO:0030087, OMIM 618856.

Allele frequency attached by ClinVar (database versions not stated): ESP Exome Variant Server 0.00008.
gnomAD v4.1: 23 of 1,613,602 alleles (0.0014%); highest among the groups gnomAD compares: South Asian, 0.015%; no homozygotes.

Submissions (3):

Diagnostics Services (NGS), CSIR - Centre For Cellular And Molecular Biology
Classification: Uncertain significance for Type 2 diabetes mellitus. Last evaluated: 2024-06-28. Review status: criteria provided, single submitter. Criteria: ACMG Guidelines, 2015. Collection method: clinical testing. Allele origin: unknown. Affected: yes. Observed: 1 variant allele, 1 heterozygote.
Comment: The c.1105C>A variant is not present in publicly available population databases like 1000 Genomes, Indian Exome Database or our in-house exome database. This variant is present in EVS, ExAC and gnomAD at low frequencies. This variant has been previously observed in patients with diabetes along with other variants with different amino acid changes in the same codon (Arg369His, Arg369Leu) and classified as variants of uncertain significance [PMID: 32027066]. This variant has not been reported to the clinical databases like Human Genome Mutation Database (HGMD), ClinVar or OMIM, in any affected individuals. In-silico pathogenicity prediction programs like PolyPhen-2, MutationTaster2, CADD, etc predicted this variant to be likely deleterious, however these predictions were not confirmed by published functional studies.

Fulgent Genetics
Classification: Uncertain significance for Type 2 diabetes mellitus; Hyperinsulinemic hypoglycemia, familial, 2; Diabetes mellitus, transient neonatal, 3; Maturity-onset diabetes of the young type 13; Diabetes mellitus, permanent neonatal 2. Last evaluated: 2024-01-07. Review status: criteria provided, single submitter. Criteria: ACMG Guidelines, 2015. Collection method: clinical testing. Allele origin: germline.

ARUP Laboratories, Molecular Genetics and Genomics, ARUP Laboratories
Classification: Uncertain significance. Review status: criteria provided, single submitter. Criteria: ARUP Molecular Germline Variant Investigation Process 2024. Collection method: clinical testing. Allele origin: germline.

Literature cited by the submitters: PubMed 32027066 (cited by Diagnostics Services (NGS), CSIR - Centre For Cellular And Molecular Biology).